The following is an entry in ClinVar:

ClinVar aggregate classification (germline): Pathogenic. Review status: criteria provided, multiple submitters, no conflicts (2 of 4 stars). 2 submissions from 2 submitters: Pathogenic (2). Last evaluated 2025-08-11.

Conditions:
CNGB1-related disorder. Also called: CNGB1-related condition.

Allele frequency attached by ClinVar (database versions not stated): ExAC 0.00001; gnomAD exomes 0.00001.
gnomAD v4.1: 2 of 1,614,170 alleles (0.00012%); highest among the groups gnomAD compares: Admixed American, 0.0033%; no homozygotes.

Submissions (2):

Labcorp Genetics (formerly Invitae), Labcorp
Classification: Pathogenic. Last evaluated: 2025-08-11. Review status: criteria provided, single submitter. Criteria: Invitae Variant Classification Sherloc (09022015). Collection method: clinical testing. Allele origin: germline.
Comment: This sequence change creates a premature translational stop signal (p.Trp161*) in the CNGB1 gene. It is expected to result in an absent or disrupted protein product. Loss-of-function variants in CNGB1 are known to be pathogenic (PMID: 15557452, 24043777). This variant is present in population databases (rs776433637, gnomAD 0.006%). This variant has not been reported in the literature in individuals affected with CNGB1-related conditions. ClinVar contains an entry for this variant (Variation ID: 1070341). For these reasons, this variant has been classified as Pathogenic.

Blueprint Genetics
Classification: Pathogenic for CNGB1-related disorders. Last evaluated: 2019-09-27. Review status: criteria provided, single submitter. Criteria: ACMG Guidelines, 2015. Collection method: clinical testing. Allele origin: germline. Affected: yes. Observed: 2 variant alleles.

Literature cited by the submitters: PubMed 15557452 (cited by Labcorp Genetics (formerly Invitae), Labcorp); PubMed 24043777 (cited by Labcorp Genetics (formerly Invitae), Labcorp).

NM_001297.5(CNGB1):c.483G>A (p.Trp161Ter)

Gene: CNGB1 (cyclic nucleotide gated channel subunit beta 1; minus strand). Cytogenetic location: 16q21.
Variant type: single nucleotide variant.
Coding change: c.483G>A on transcript NM_001297.5 (MANE Select); coding-DNA position 483, G replaced by A.
Protein change: p.Trp161Ter; replaces tryptophan 161 with a stop codon.
Molecular consequence: nonsense.
Genome position (GRCh38, 1-based): chr16:57,960,891, C>T on the plus strand (G>A on the coding strand, the complement: CNGB1 is on the minus strand). VCF-style: chr16-57960891-C-T. GRCh37 (hg19) VCF-style: chr16-57994795-C-T.
Other names: c.483G>A, p.Trp161Ter (NM_001135639.2, NM_001286130.2); short protein forms W161*.
Identifiers: ClinVar variation 1070341 (VCV001070341.8), dbSNP rs776433637, ClinGen allele CA8083795.